The following is an entry in ClinVar:

NM_000441.2(SLC26A4):c.578C>T (p.Thr193Ile)

Gene: SLC26A4 (solute carrier family 26 member 4; plus strand). Cytogenetic location: 7q22.3.
Variant type: single nucleotide variant.
Coding change: c.578C>T on transcript NM_000441.2 (MANE Select); coding-DNA position 578, C replaced by T.
Protein change: p.Thr193Ile; replaces threonine 193 with isoleucine.
Molecular consequence: missense variant.
Genome position (GRCh38, 1-based): chr7:107,674,326, C>T. VCF-style: chr7-107674326-C-T. GRCh37 (hg19) VCF-style: chr7-107314771-C-T.
Other names: short protein forms T193I.
Identifiers: ClinVar variation 4830 (VCV000004830.32), dbSNP rs111033348, ClinGen allele CA253310.

ClinVar aggregate classification (germline): Pathogenic/Likely pathogenic. Review status: criteria provided, multiple submitters, no conflicts (2 of 4 stars). 13 submissions from 12 submitters: Pathogenic (8); Likely pathogenic (1). 4 of the submissions do not count toward it. Last evaluated 2025-01-17.

Conditions:
Rare genetic deafness. Identifiers: Orphanet 96210, MedGen C5680250.
SLC26A4-related disorder. Also called: SLC26A4-related condition; SLC26A4-related disorders.
Autosomal recessive nonsyndromic hearing loss 4 (DFNB4). Also called: Deafness, autosomal recessive 4, with enlarged vestibular aqueduct; Enlarged vestibular aqueduct, digenic; NEUROSENSORY NONSYNDROMIC RECESSIVE DEAFNESS 4; FOXI1-Related Pendred Syndrome; KCNJ10-Related Pendred Syndrome; DEAFNESS, AUTOSOMAL RECESSIVE 4, WITH ENLARGED VESTIBULAR AQUEDUCT, DIGENIC. Identifiers: Orphanet 90636, MedGen C3538946, MONDO:0010933, OMIM 600791.
Pendred syndrome (PDS). Also called: Pendred's syndrome; THYROID DYSHORMONOGENESIS 2B; THYROID HORMONOGENESIS, GENETIC DEFECT IN, 2B; DEAFNESS WITH GOITER; GOITER-DEAFNESS SYNDROME; HYPOTHYROIDISM, CONGENITAL, DUE TO DYSHORMONOGENESIS, 2B. Identifiers: Orphanet 705, MedGen C0271829, MONDO:0010134, OMIM 274600.

Allele frequency attached by ClinVar (database versions not stated): ExAC 0.00002; gnomAD exomes 0.00001 and 0.00002; gnomAD 0.00001; TOPMed 0.00002.
gnomAD v4.1: 18 of 1,613,148 alleles (0.0011%); highest among the groups gnomAD compares: Middle Eastern, 0.033%; no homozygotes.

Submissions (13):

Natera, Inc.
Classification: Pathogenic for Pendred syndrome. Last evaluated: 2025-01-17. Review status: criteria provided, single submitter. Criteria: Natera Variant Classification Schema (03/2026). Collection method: clinical testing. Allele origin: germline.
Comment: The c.578C>T variant in SLC26A4 is a missense variant predicted to cause substitution of threonine to isoleucine at amino acid 193. This variant is rare in the general population with a frequency below the threshold expected for the associated phenotype(s). This variant has been observed in one or more individuals affected with the associated recessive disease, as either homozygous or compound heterozygous with a second variant (PMID: 17940114, 16570074, 20128824). Additionally, this variant has been observed to segregate in affected family members (PMID: 16570074). Given the available evidence, this variant is classified as Pathogenic.

Fulgent Genetics
Classification: Pathogenic for Pendred syndrome; Autosomal recessive nonsyndromic hearing loss 4. Last evaluated: 2024-05-31. Review status: criteria provided, single submitter. Criteria: ACMG Guidelines, 2015. Collection method: clinical testing. Allele origin: germline.

Labcorp Genetics (formerly Invitae), Labcorp
Classification: Pathogenic. Last evaluated: 2024-03-11. Review status: criteria provided, single submitter. Criteria: Invitae Variant Classification Sherloc (09022015). Collection method: clinical testing. Allele origin: germline.
Comment: This sequence change replaces threonine, which is neutral and polar, with isoleucine, which is neutral and non-polar, at codon 193 of the SLC26A4 protein (p.Thr193Ile). This variant is present in population databases (rs111033348, gnomAD 0.003%). This missense change has been observed in individual(s) with SLC26A4-related conditions (PMID: 10878664, 20597900, 26752218, 28964290). It has also been observed to segregate with disease in related individuals. This variant is also known as 801C>T. ClinVar contains an entry for this variant (Variation ID: 4830). Advanced modeling of protein sequence and biophysical properties (such as structural, functional, and spatial information, amino acid conservation, physicochemical variation, residue mobility, and thermodynamic stability) performed at Invitae indicates that this missense variant is expected to disrupt SLC26A4 protein function with a positive predictive value of 95%. Experimental studies have shown that this missense change affects SLC26A4 function (PMID: 26752218, 31599023). For these reasons, this variant has been classified as Pathogenic.

Baylor Genetics
Classification: Pathogenic for Autosomal recessive nonsyndromic hearing loss 4. Last evaluated: 2023-11-27. Review status: criteria provided, single submitter. Criteria: ACMG Guidelines, 2015. Collection method: clinical testing. Allele origin: unknown.

Women's Health and Genetics/Laboratory Corporation of America, LabCorp
Classification: Pathogenic for Pendred syndrome. Last evaluated: 2023-07-27. Review status: criteria provided, single submitter. Criteria: LabCorp Variant Classification Summary - May 2015. Collection method: clinical testing. Allele origin: germline.
Comment: Variant summary: SLC26A4 c.578C>T (p.Thr193Ile) results in a non-conservative amino acid change located in the SLC26A/SulP transporter domain (IPR011547) of the encoded protein sequence. Five of five in-silico tools predict a damaging effect of the variant on protein function. The variant allele was found at a frequency of 2e-05 in 251446 control chromosomes (gnomAD). c.578C>T has been reported in the literature in multiple individuals affected with Pendred Syndrome/Non-Syndromic Hearing Loss, including a family in which the variant was shown to segregate with disease (e.g. Adato_2000, Albert_2006, Tang_2015). Functional studies have shown the variant was undetectable in the plasma membrane, completely retained in the endoplasmic reticulum and showed no transport function (Moraes_2015, Wasano_2020). The following publications have been ascertained in the context of this evaluation (PMID: 10878664, 26752218, 25991456, 31599023, 16570074). Seven submitters have cited clinical-significance assessments for this variant to ClinVar after 2014. All submitters classified the variant as pathogenic/likely pathogenic. Based on the evidence outlined above, the variant was classified as pathogenic.

Blueprint Genetics
Classification: Pathogenic for SLC26A4-related disorders. Last evaluated: 2023-05-04. Review status: criteria provided, single submitter. Criteria: ACMG Guidelines, 2015. Collection method: clinical testing. Allele origin: germline. Affected: yes. Observed: 5 variant alleles.

Laboratory for Molecular Medicine, Mass General Brigham Personalized Medicine
Classification: Pathogenic for Rare genetic deafness. Last evaluated: 2022-06-30. Review status: criteria provided, single submitter. Criteria: ACMG Guidelines, 2015. Collection method: clinical testing. Allele origin: germline.
Comment: The p.Thr193Ile variant in SLC26A4 has been reported in at least 5 individuals with nonsyndromic hearing loss and enlarged vestibular aqueduct or Pendred syndrome in the homozygous or compound heterozygous state, and segregated with hearing loss in affected family members (Adato 2000 PMID: 1087866, Cengiz 2017 PMID: 28964290, Albert 2006 PMID: 16570074, Blons 2004 PMID: 15355436). It has also been identified in 0.001% (1/68018) of European chromosomes by gnomAD, v. 3. Although this variant has been seen in the general population, its frequency is low enough to be consistent with a recessive carrier frequency. This variant has also been reported in ClinVar (Variation ID 4830). Computational prediction tools and conservation analyses suggest that this variant may impact the protein, though this information is not predictive enough to determine pathogenicity. In vitro functional studies suggest the variant impairs protein localization and function (De Moraes PMID: 26752218, Wasano 2020 PMID: 31599023). In summary, this variant meets criteria to be classified as pathogenic for autosomal recessive Pendred Syndrome. ACMG/AMP Criteria applied: PM3_VeryStrong,, PM2_Supporting, PP1, PP3, PS3_Supporting.

Genome-Nilou Lab
Classification: Likely pathogenic for Autosomal recessive nonsyndromic hearing loss 4. Last evaluated: 2021-09-05. Review status: criteria provided, single submitter. Criteria: ACMG Guidelines, 2015. Collection method: clinical testing. Allele origin: germline. Affected: no.

Genome-Nilou Lab
Classification: Pathogenic for Pendred syndrome. Last evaluated: 2021-09-05. Review status: criteria provided, single submitter. Criteria: ACMG Guidelines, 2015. Collection method: clinical testing. Allele origin: germline. Affected: no.

National Institute of Sensory Organs, National Hospital Organization Tokyo Medical Center
Classification: Affects for Autosomal recessive nonsyndromic hearing loss 4. Last evaluated: 2019-08-20. Review status: no assertion criteria provided. Collection method: literature only, in vitro. Allele origin: germline. Inheritance: Autosomal recessive inheritance. Affected: yes. Functional consequence: loss_of_function_variant. Not counted in ClinVar's aggregate classification.
Comment: in vitro experiment

Genetic Testing Center for Deafness, Department of Otolaryngology Head & Neck Surgery, Institute of Otolaryngology, Chinese PLA General Hospital
Classification: Likely pathogenic for Autosomal recessive nonsyndromic hearing loss 4. Last evaluated: 2019-02-26. Review status: no assertion criteria provided. Collection method: case-control. Allele origin: inherited. Affected: yes. Observed: 1 variant allele. Not counted in ClinVar's aggregate classification.

Counsyl
Classification: Likely pathogenic for Pendred syndrome. Last evaluated: 2018-04-17. Review status: no assertion criteria provided. Collection method: clinical testing. Allele origin: unknown. Not counted in ClinVar's aggregate classification.

OMIM
Classification: Pathogenic for PENDRED SYNDROME. Last evaluated: 2000-06-01. Review status: no assertion criteria provided. Collection method: literature only. Allele origin: germline. Not counted in ClinVar's aggregate classification.

Literature cited by the submitters: PubMed 17940114 (cited by Natera, Inc. and Counsyl); PubMed 16570074 (cited by 3 submitters); PubMed 20128824 (cited by Natera, Inc.); PubMed 10878664 (cited by 6 submitters); PubMed 20597900 (cited by Labcorp Genetics (formerly Invitae), Labcorp and Counsyl); PubMed 26752218 (cited by 4 submitters); PubMed 28964290 (cited by Labcorp Genetics (formerly Invitae), Labcorp and National Institute of Sensory Organs, National Hospital Organization Tokyo Medical Center); PubMed 31599023 (cited by 3 submitters); PubMed 25991456 (cited by Women's Health and Genetics/Laboratory Corporation of America, LabCorp and Counsyl); PubMed 15355436 (cited by Laboratory for Molecular Medicine, Mass General Brigham Personalized Medicine and Counsyl); PubMed 23273637 (cited by National Institute of Sensory Organs, National Hospital Organization Tokyo Medical Center and Counsyl); PubMed 27771369 (cited by National Institute of Sensory Organs, National Hospital Organization Tokyo Medical Center); PubMed 8541853 (cited by OMIM).